The following is an entry in ClinVar:

NM_000218.3(KCNQ1):c.1686-14G>T

Gene: KCNQ1 (potassium voltage-gated channel subfamily Q member 1; plus strand). Cytogenetic location: 11p15.5.
Variant type: single nucleotide variant.
Coding change: c.1686-14G>T on transcript NM_000218.3 (MANE Select); 14 bases into the intron before coding-DNA position 1686, G replaced by T.
Molecular consequence: intron variant.
Genome position (GRCh38, 1-based): chr11:2,776,972, G>T. VCF-style: chr11-2776972-G-T. GRCh37 (hg19) VCF-style: chr11-2798202-G-T.
Other names: c.1416-14G>T (NM_001406837.1); c.1590-14G>T (NM_001406836.1); c.1146-14G>T (NM_001406838.1); c.1305-14G>T (NM_181798.2).
Identifiers: ClinVar variation 3386947 (VCV003386947.1).

ClinVar aggregate classification (germline): Likely benign (1 of 4 stars; one submission).

Conditions:
Long QT syndrome (LQTS). Identifiers: MedGen C0023976, MeSH D008133, MONDO:0002442. Disease mechanism: loss of function. Inheritance: Various modes of inheritance.

Submission:

All of Us Research Program, National Institutes of Health
Classification: Likely benign for Long QT syndrome. Last evaluated: 2024-03-14. Review status: criteria provided, single submitter. Criteria: ACMG Guidelines, 2015. Collection method: clinical testing. Allele origin: germline. Inheritance: Autosomal dominant inheritance. Observed: 1 variant allele, 1 heterozygote.
Comment: This study involves interpretation of variants in research participants for the purpose of population health screening. Participant phenotype was not available at the time of variant classification. Additional details can be found in publication PMID: 35346344, PMCID: PMC8962531